The following is an entry in ClinVar:

NM_004821.3(HAND1):c.418A>G (p.Thr140Ala)

Gene: HAND1 (heart and neural crest derivatives expressed 1; minus strand). Cytogenetic location: 5q33.2.
Variant type: single nucleotide variant.
Coding change: c.418A>G on transcript NM_004821.3 (MANE Select); coding-DNA position 418, A replaced by G.
Protein change: p.Thr140Ala; replaces threonine 140 with alanine.
Molecular consequence: missense variant.
Genome position (GRCh38, 1-based): chr5:154,477,591, T>C on the plus strand (A>G on the coding strand, the complement: HAND1 is on the minus strand). VCF-style: chr5-154477591-T-C. GRCh37 (hg19) VCF-style: chr5-153857151-T-C.
Other names: short protein forms T140A.
Identifiers: ClinVar variation 4798128 (VCV004798128.1).
Genomic context (GRCh38, chr5:154,477,591, plus strand): 5'-CGGGATCGCCAGACTGTGCATCCTTGGCCAGCACGTCCATCAGGTAGGCGATGTAGCTGG[T>C]GGCTAGGCGCAGAGTCTTGATCTTGGAGAGCTTGGTGTCGGCCGGCACGTTGGGGATGCA-3'
Protein context (NP_004812.1, residues 130-150): LSKIKTLRLA[Thr140Ala]SYIAYLMDVL

ClinVar aggregate classification (germline): Uncertain significance (1 of 4 stars; one submission).

Conditions:
Hypoplastic left heart syndrome. Also called: Hypoplastic left ventricle; Hypoplastic left heart. Identifiers: Orphanet 2248, MedGen C0152101, MONDO:0004933, HP:0004383.

gnomAD v4.1: 36 of 1,614,238 alleles (0.0022%); highest among the groups gnomAD compares: Non-Finnish European, 0.0031%; no homozygotes.

Submission:

Labcorp Genetics (formerly Invitae), Labcorp
Classification: Uncertain significance for Hypoplastic left heart syndrome. Last evaluated: 2025-10-23. Review status: criteria provided, single submitter. Criteria: Invitae Variant Classification Sherloc (09022015). Collection method: clinical testing. Allele origin: germline.
Comment: This sequence change replaces threonine, which is neutral and polar, with alanine, which is neutral and non-polar, at codon 140 of the HAND1 protein (p.Thr140Ala). This variant is present in population databases (rs755192128, gnomAD 0.0009%). This variant has not been reported in the literature in individuals affected with HAND1-related conditions. An algorithm developed to predict the effect of missense changes on protein structure and function (PolyPhen-2) suggests that this variant is likely to be disruptive. In summary, the available evidence is currently insufficient to determine the role of this variant in disease. Therefore, it has been classified as a Variant of Uncertain Significance.